The following is an entry in ClinVar:

NM_030957.4(ADAMTS10):c.1880A>C (p.Lys627Thr)

Gene: ADAMTS10 (ADAM metallopeptidase with thrombospondin type 1 motif 10; minus strand). Cytogenetic location: 19p13.2.
Variant type: single nucleotide variant.
Coding change: c.1880A>C on transcript NM_030957.4 (MANE Select); coding-DNA position 1880, A replaced by C.
Protein change: p.Lys627Thr; replaces lysine 627 with threonine.
Molecular consequence: missense variant.
Genome position (GRCh38, 1-based): chr19:8,589,909, T>G on the plus strand (A>C on the coding strand, the complement: ADAMTS10 is on the minus strand). VCF-style: chr19-8589909-T-G. GRCh37 (hg19) VCF-style: chr19-8654793-T-G.
Other names: c.352A>C, p.Ser118Arg (NM_001282352.2); short protein forms K627T, S118R.
Identifiers: ClinVar variation 330598 (VCV000330598.9), dbSNP rs782712334, ClinGen allele CA9160338.

ClinVar aggregate classification (germline): Uncertain significance. Review status: criteria provided, multiple submitters, no conflicts (2 of 4 stars). 2 submissions from 2 submitters: Uncertain significance (2). Last evaluated 2025-04-17.

Conditions:
Weill-Marchesani syndrome. Also called: WM Syndrome; Mesodermal dysmorphodystrophy congenital. Identifiers: Orphanet 3449, MedGen C0265313, MONDO:0018096.

Allele frequency attached by ClinVar (database versions not stated): gnomAD 0.00001; gnomAD exomes 0.00001; ExAC 0.00002; TOPMed 0.00004.
gnomAD v4.1: 20 of 1,613,938 alleles (0.0012%); highest among the groups gnomAD compares: Admixed American, 0.005%; no homozygotes.

Submissions (2):

Labcorp Genetics (formerly Invitae), Labcorp
Classification: Uncertain significance. Last evaluated: 2025-04-17. Review status: criteria provided, single submitter. Criteria: Invitae Variant Classification Sherloc (09022015). Collection method: clinical testing. Allele origin: germline.
Comment: This sequence change replaces lysine, which is basic and polar, with threonine, which is neutral and polar, at codon 627 of the ADAMTS10 protein (p.Lys627Thr). This variant is present in population databases (rs782712334, gnomAD 0.006%). This variant has not been reported in the literature in individuals affected with ADAMTS10-related conditions. ClinVar contains an entry for this variant (Variation ID: 330598). An algorithm developed to predict the effect of missense changes on protein structure and function outputs the following: PolyPhen-2: "Benign". The threonine amino acid residue is found in multiple mammalian species, which suggests that this missense change does not adversely affect protein function. In summary, the available evidence is currently insufficient to determine the role of this variant in disease. Therefore, it has been classified as a Variant of Uncertain Significance.

Illumina Laboratory Services, Illumina
Classification: Uncertain significance for Weill-Marchesani syndrome. Last evaluated: 2018-01-12. Review status: criteria provided, single submitter. Criteria: ICSL Variant Classification Criteria 13 December 2019. Collection method: clinical testing. Allele origin: germline.